The following is an entry in ClinVar:

NM_015141.4(GPD1L):c.90dup (p.Leu31fs)

Gene: GPD1L (glycerol-3-phosphate dehydrogenase 1 like; plus strand). Cytogenetic location: 3p22.3.
Variant type: Duplication.
Coding change: c.90dup on transcript NM_015141.4 (MANE Select); coding-DNA position 90, one base duplicated (A; older notation c.90dupA).
Protein change: p.Leu31fs; shifts the reading frame from leucine 31.
Molecular consequence: frameshift variant.
Genome position (GRCh38, 1-based): chr3:32,128,118, A duplicated; the last of 3 consecutive A bases (chr3:32,128,116-32,128,118); duplicating any one gives the same sequence. VCF-style (leftmost placement, unchanged base first): chr3-32128115-G-GA. GRCh37 (hg19) VCF-style: chr3-32169607-G-GA.
Other names: c.90dupA (NM_015141.3); short protein forms L31fs.
Identifiers: ClinVar variation 4031238 (VCV004031238.1).

ClinVar aggregate classification (germline): Uncertain significance (1 of 4 stars; one submission).

Conditions:
Cardiovascular phenotype. Identifiers: MedGen CN230736.

Submission:

Ambry Genetics
Classification: Uncertain significance for Cardiovascular phenotype. Last evaluated: 2025-04-17. Review status: criteria provided, single submitter. Criteria: Ambry Variant Classification Scheme 2023. Collection method: clinical testing. Allele origin: germline.
Comment: The c.90dupA variant, located in coding exon 2 of the GPD1L gene, results from a duplication of A at nucleotide position 90, causing a translational frameshift with a predicted alternate stop codon (p.L31Tfs*14). This alteration is expected to result in protein truncation or nonsense-mediated mRNA decay. However, loss of function of GPD1L has not been established as a mechanism of disease. The evidence for this gene-disease relationship is limited; therefore, the clinical significance of this alteration is unclear.